The following is an entry in ClinVar:

NM_001429.4(EP300):c.6497A>G (p.Gln2166Arg)

Gene: EP300 (EP300 lysine acetyltransferase; plus strand). Cytogenetic location: 22q13.2.
Variant type: single nucleotide variant.
Coding change: c.6497A>G on transcript NM_001429.4 (MANE Select); coding-DNA position 6497, A replaced by G.
Protein change: p.Gln2166Arg; replaces glutamine 2166 with arginine.
Molecular consequence: missense variant.
Genome position (GRCh38, 1-based): chr22:41,178,208, A>G. VCF-style: chr22-41178208-A-G. GRCh37 (hg19) VCF-style: chr22-41574212-A-G.
Other names: c.6419A>G, p.Gln2140Arg (NM_001362843.2); short protein forms Q2166R, Q2140R.
Identifiers: ClinVar variation 4983318 (VCV004983318.1).

ClinVar aggregate classification (germline): Uncertain significance (1 of 4 stars; one submission).

Conditions:
EP300-related disorder. Also called: EP300-related condition; EP300-related disorders.

gnomAD v4.1: 1 of 1,614,180 alleles (0.000062%); highest among the groups gnomAD compares: Non-Finnish European, 0.000085%; no homozygotes.

Submission:

PreventionGenetics, part of Exact Sciences
Classification: Uncertain significance for EP300-related condition. Last evaluated: 2025-07-27. Review status: criteria provided, single submitter. Criteria: ACMG Guidelines, 2015. Collection method: clinical testing. Allele origin: germline.
Comment: The EP300 c.6497A>G variant is predicted to result in the amino acid substitution p.Gln2166Arg. To our knowledge, this variant has not been reported in the literature or in a large population database (gnomAD), indicating this variant is rare. At this time, the clinical significance of this variant is uncertain due to the absence of conclusive functional and genetic evidence.